The following is an entry in ClinVar:

ClinVar aggregate classification (germline): Uncertain significance (1 of 4 stars; one submission).

Submission:

Labcorp Genetics (formerly Invitae), Labcorp
Classification: Uncertain significance. Last evaluated: 2025-09-02. Review status: criteria provided, single submitter. Criteria: Invitae Variant Classification Sherloc (09022015). Collection method: clinical testing. Allele origin: germline.
Comment: This sequence change creates a premature translational stop signal (p.Glu60Serfs*124) in the GAS1 gene. While this is not anticipated to result in nonsense mediated decay, it is expected to disrupt the last 286 amino acid(s) of the GAS1 protein. This variant is not present in population databases (gnomAD no frequency). This variant has not been reported in the literature in individuals affected with GAS1-related conditions. In summary, the available evidence is currently insufficient to determine the role of this variant in disease. Therefore, it has been classified as a Variant of Uncertain Significance.

NM_002048.3(GAS1):c.178del (p.Glu60fs)

Gene: GAS1 (growth arrest specific 1; minus strand). Cytogenetic location: 9q21.33.
Variant type: Deletion.
Coding change: c.178del on transcript NM_002048.3 (MANE Select); coding-DNA position 178, one base deleted (G; older notation c.178delG).
Protein change: p.Glu60fs; shifts the reading frame from glutamic acid 60.
Molecular consequence: frameshift variant.
Genome position (GRCh38, 1-based): chr9:86,946,602, C deleted on the plus strand (G on the coding strand, the reverse complement: GAS1 is on the minus strand); the first of 2 consecutive C bases (chr9:86,946,602-86,946,603); deleting either gives the same sequence. VCF-style (leftmost placement, unchanged base first): chr9-86946601-TC-T. GRCh37 (hg19) VCF-style: chr9-89561516-TC-T.
Other names: short protein forms E60fs.
Identifiers: ClinVar variation 4723892 (VCV004723892.1).